The following is an entry in ClinVar:

NM_018109.4(MTPAP):c.772G>A (p.Ala258Thr)

Gene: MTPAP (mitochondrial poly(A) polymerase; minus strand). Cytogenetic location: 10p11.23.
Variant type: single nucleotide variant.
Coding change: c.772G>A on transcript NM_018109.4 (MANE Select); coding-DNA position 772, G replaced by A.
Protein change: p.Ala258Thr; replaces alanine 258 with threonine.
Molecular consequence: missense variant.
Genome position (GRCh38, 1-based): chr10:30,336,811, C>T on the plus strand (G>A on the coding strand, the complement: MTPAP is on the minus strand). VCF-style: chr10-30336811-C-T. GRCh37 (hg19) VCF-style: chr10-30625740-C-T.
Other names: short protein forms A258T.
Identifiers: ClinVar variation 1800842 (VCV001800842.1), dbSNP rs753119491, ClinGen allele CA5459119.

ClinVar aggregate classification (germline): Uncertain significance (1 of 4 stars; one submission).

Allele frequency attached by ClinVar (database versions not stated): TOPMed below 0.00001; ExAC 0.00001; gnomAD 0.00001; gnomAD exomes 0.00001.
gnomAD v4.1: 8 of 1,603,246 alleles (0.0005%); highest among the groups gnomAD compares: Middle Eastern, 0.022%; no homozygotes.

Submission:

GeneDx
Classification: Uncertain significance. Last evaluated: 2022-05-02. Review status: criteria provided, single submitter. Criteria: GeneDx Variant Classification Process June 2021. Collection method: clinical testing. Allele origin: germline. Affected: yes.
Comment: Not observed at significant frequency in large population cohorts (gnomAD); In silico analysis supports that this missense variant does not alter protein structure/function; Has not been previously published as pathogenic or benign to our knowledge